The following is an entry in ClinVar:

NM_206933.4(USH2A):c.4169C>T (p.Thr1390Ile)

Genes: USH2A (usherin; minus strand), USH2A-AS1 (USH2A antisense RNA 1; plus strand). Cytogenetic location: 1q41.
Variant type: single nucleotide variant.
Coding change: c.4169C>T on transcript NM_206933.4 (MANE Select); coding-DNA position 4169, C replaced by T.
Protein change: p.Thr1390Ile; replaces threonine 1390 with isoleucine.
Molecular consequence: missense variant.
Genome position (GRCh38, 1-based): chr1:216,196,635, G>A on the plus strand (C>T on the coding strand, the complement: USH2A is on the minus strand). VCF-style: chr1-216196635-G-A. GRCh37 (hg19) VCF-style: chr1-216369977-G-A.
Other names: c.4169C>T, p.Thr1390Ile (NM_007123.6); short protein forms T1390I.
Identifiers: ClinVar variation 1355064 (VCV001355064.3), dbSNP rs370430107, ClinGen allele CA344866418.
Genomic context (GRCh38, chr1:216,196,635, plus strand): 5'-GACTGTTGAGGTGATTGTTCAGAAAGCATATTGATGTCATACCCCACAACTTTTCCTCTT[G>A]TAACATTATCTGCTGGCTTCTCCCAGGAGATATTGAGAGAGTACGAAGAGAGGGGAAAGA-3'
Protein context (NP_996816.3, residues 1380-1400): ISWEKPADNV[Thr1390Ile]RGKVVGYDIN

ClinVar aggregate classification (germline): Uncertain significance (1 of 4 stars; one submission).

gnomAD v4.1: 3 of 1,613,560 alleles (0.00019%); highest among the groups gnomAD compares: Non-Finnish European, 0.00025%; no homozygotes.

Submission:

Labcorp Genetics (formerly Invitae), Labcorp
Classification: Uncertain significance. Last evaluated: 2021-11-18. Review status: criteria provided, single submitter. Criteria: Invitae Variant Classification Sherloc (09022015). Collection method: clinical testing. Allele origin: germline.
Comment: This sequence change replaces threonine, which is neutral and polar, with isoleucine, which is neutral and non-polar, at codon 1390 of the USH2A protein (p.Thr1390Ile). This variant is not present in population databases (gnomAD no frequency). This variant has not been reported in the literature in individuals affected with USH2A-related conditions. Algorithms developed to predict the effect of missense changes on protein structure and function are either unavailable or do not agree on the potential impact of this missense change (SIFT: "Deleterious"; PolyPhen-2: "Benign"; Align-GVGD: "Class C0"). In summary, the available evidence is currently insufficient to determine the role of this variant in disease. Therefore, it has been classified as a Variant of Uncertain Significance.